The following is an entry in ClinVar:

NM_016151.4(TAOK2):c.1146GGAGGAGGAGGAAGA[3] (p.Glu388_Glu392dup)

Gene: TAOK2 (TAO kinase 2; plus strand). Cytogenetic location: 16p11.2.
Variant type: Microsatellite.
Coding change: c.1146GGAGGAGGAGGAAGA[3] on transcript NM_016151.4 (MANE Select); three copies in a row of the 15-base unit GGAGGAGGAGGAAGA starting at c.1146; the reference has two copies in a row; one copy, 15 bases duplicated.
Protein change: p.Glu388_Glu392dup.
Molecular consequence: inframe insertion.
Genome position (GRCh38, 1-based): chr16:29,983,233-29,983,247, GGAGGAGGAGGAAGA duplicated; duplicating any 15 consecutive bases within chr16:29,983,216-29,983,247 gives the same sequence; the position shown is the placement nearest the transcript's 3' end. VCF-style (leftmost placement, unchanged base first): chr16-29983215-G-GGAGGAGGAGGAGGAA. GRCh37 (hg19) VCF-style: chr16-29994536-G-GGAGGAGGAGGAGGAA.
Other names: c.1146GGAGGAGGAGGAAGA[3], p.Glu388_Glu392dup (NM_001252043.2, NM_004783.4).
Identifiers: ClinVar variation 1023075 (VCV001023075.8), dbSNP rs751116068, ClinGen allele CA7998057.
Genomic context (GRCh38, chr16:29,983,215, plus strand): 5'-CTCCAGCCAGAGCAGCTCCGTCAACAGCCTAGCAGATGCCTCAGACAACGAGGAAGAGGA[G>GGAGGAGGAGGAGGAA]GAGGAGGAGGAGGAAGAGGAGGAGGAGGAAGAAGGCCCTGAAGCCCGGGAGATGGCCATG-3'

ClinVar aggregate classification (germline): Uncertain significance (1 of 4 stars; one submission).

Submission:

Labcorp Genetics (formerly Invitae), Labcorp
Classification: Uncertain significance. Last evaluated: 2025-09-10. Review status: criteria provided, single submitter. Criteria: Invitae Variant Classification Sherloc (09022015). Collection method: clinical testing. Allele origin: germline.
Comment: This variant, c.1161_1175dup, results in the insertion of 5 amino acid(s) of the TAOK2 protein (p.Glu388_Glu392dup), but otherwise preserves the integrity of the reading frame. The frequency data for this variant in the population databases is considered unreliable, as metrics indicate poor data quality at this position in the gnomAD database. This variant has not been reported in the literature in individuals affected with TAOK2-related conditions. Experimental studies and prediction algorithms are not available or were not evaluated, and the functional significance of this variant is currently unknown. In summary, the available evidence is currently insufficient to determine the role of this variant in disease. Therefore, it has been classified as a Variant of Uncertain Significance.